The following is an entry in ClinVar:

ClinVar aggregate classification (germline): Uncertain significance. Review status: criteria provided, multiple submitters, no conflicts (2 of 4 stars). 2 submissions from 2 submitters: Uncertain significance (2). Last evaluated 2025-02-12.

Conditions:
Tremor, hereditary essential, 5 (ETM5). Identifiers: MedGen C4225223, MONDO:0014756, OMIM 616736.

Allele frequency attached by ClinVar (database versions not stated): gnomAD 0.00008; TOPMed 0.00010; gnomAD exomes 0.00012; ExAC 0.00014; ESP Exome Variant Server 0.00044.
gnomAD v4.1: 177 of 1,551,610 alleles (0.011%); highest among the groups gnomAD compares: Non-Finnish European, 0.014%; no homozygotes.

Submissions (2):

Mayo Clinic Laboratories, Mayo Clinic
Classification: Uncertain significance. Last evaluated: 2025-02-12. Review status: criteria provided, single submitter. Criteria: ACMG Guidelines, 2015. Collection method: clinical testing. Allele origin: germline. Observed: 1 variant allele.
Comment: BS2

Revvity Omics, Revvity
Classification: Uncertain significance for Tremor, hereditary essential, 5. Last evaluated: 2021-11-30. Review status: criteria provided, single submitter. Criteria: ACMG Guidelines, 2015. Collection method: clinical testing. Allele origin: germline.

NM_001098816.3(TENM4):c.1400A>G (p.Asn467Ser)

Gene: TENM4 (teneurin transmembrane protein 4; minus strand). Cytogenetic location: 11q14.1.
Variant type: single nucleotide variant.
Coding change: c.1400A>G on transcript NM_001098816.3 (MANE Select); coding-DNA position 1400, A replaced by G.
Protein change: p.Asn467Ser; replaces asparagine 467 with serine.
Molecular consequence: missense variant.
Genome position (GRCh38, 1-based): chr11:78,856,034, T>C on the plus strand (A>G on the coding strand, the complement: TENM4 is on the minus strand). VCF-style: chr11-78856034-T-C. GRCh37 (hg19) VCF-style: chr11-78567079-T-C.
Other names: p.Asn467Ser; short protein forms N467S.
Identifiers: ClinVar variation 2437037 (VCV002437037.4), dbSNP rs376984266, ClinGen allele CA6207547.